The following is an entry in ClinVar:

NM_001365480.1(CCDC88A):c.2356C>A (p.Leu786Ile)

Gene: CCDC88A (coiled-coil domain containing 88A; minus strand). Cytogenetic location: 2p16.1.
Variant type: single nucleotide variant.
Coding change: c.2356C>A on transcript NM_001365480.1 (MANE Select); coding-DNA position 2356, C replaced by A.
Protein change: p.Leu786Ile; replaces leucine 786 with isoleucine.
Molecular consequence: missense variant.
Genome position (GRCh38, 1-based): chr2:55,334,465, G>T on the plus strand (C>A on the coding strand, the complement: CCDC88A is on the minus strand). VCF-style: chr2-55334465-G-T. GRCh37 (hg19) VCF-style: chr2-55561601-G-T.
Other names: c.2356C>A, p.Leu786Ile (NM_001135597.2, NM_001254943.2, NM_018084.5); c.2356C>A (NM_001135597.1); short protein forms L786I.
Identifiers: ClinVar variation 1421128 (VCV001421128.4), dbSNP rs61358842, ClinGen allele CA1665994.

ClinVar aggregate classification (germline): Uncertain significance. Review status: criteria provided, multiple submitters, no conflicts (2 of 4 stars). 2 submissions from 2 submitters: Uncertain significance (2). Last evaluated 2025-05-16.

Allele frequency attached by ClinVar (database versions not stated): gnomAD 0.00001 and 0.00002; gnomAD exomes 0.00002; ESP Exome Variant Server 0.00008; TOPMed 0.00002; ExAC 0.00003.
gnomAD v4.1: 29 of 1,600,426 alleles (0.0018%); highest among the groups gnomAD compares: Non-Finnish European, 0.0023%; no homozygotes.

Submissions (2):

Ambry Genetics
Classification: Uncertain significance. Last evaluated: 2025-05-16. Review status: criteria provided, single submitter. Criteria: Ambry Variant Classification Scheme 2023. Collection method: clinical testing. Allele origin: germline.

Labcorp Genetics (formerly Invitae), Labcorp
Classification: Uncertain significance. Last evaluated: 2022-08-31. Review status: criteria provided, single submitter. Criteria: Invitae Variant Classification Sherloc (09022015). Collection method: clinical testing. Allele origin: germline.
Comment: This sequence change replaces leucine, which is neutral and non-polar, with isoleucine, which is neutral and non-polar, at codon 786 of the CCDC88A protein (p.Leu786Ile). This variant is present in population databases (rs61358842, gnomAD 0.007%). This variant has not been reported in the literature in individuals affected with CCDC88A-related conditions. ClinVar contains an entry for this variant (Variation ID: 1421128). Algorithms developed to predict the effect of missense changes on protein structure and function are either unavailable or do not agree on the potential impact of this missense change (SIFT: "Tolerated"; PolyPhen-2: "Possibly Damaging"; Align-GVGD: "Class C0"). In summary, the available evidence is currently insufficient to determine the role of this variant in disease. Therefore, it has been classified as a Variant of Uncertain Significance.